The following is an entry in ClinVar:

NM_006767.4(LZTR1):c.1018C>T (p.Arg340Ter)

Gene: LZTR1 (leucine zipper like post translational regulator 1; plus strand). Cytogenetic location: 22q11.21.
Variant type: single nucleotide variant.
Coding change: c.1018C>T on transcript NM_006767.4 (MANE Select); coding-DNA position 1018, C replaced by T.
Protein change: p.Arg340Ter; replaces arginine 340 with a stop codon.
Molecular consequence: nonsense.
Genome position (GRCh38, 1-based): chr22:20,992,238, C>T. VCF-style: chr22-20992238-C-T. GRCh37 (hg19) VCF-style: chr22-21346527-C-T.
Other names: p.Arg340*; short protein forms R340*.
Identifiers: ClinVar variation 488877 (VCV000488877.61), dbSNP rs149850248, ClinGen allele CA10118698.

ClinVar aggregate classification (germline): Conflicting classifications of pathogenicity. Review status: criteria provided, conflicting classifications (1 of 4 stars). 20 submissions from 19 submitters: Pathogenic (16); Likely pathogenic (3); Uncertain significance (1). Last evaluated 2026-07-07.

Conditions:
LZTR1-related schwannomatosis. Also called: Schwannomatosis-2, susceptibility to; Schwannomatosis 2. Identifiers: Orphanet 93921, MedGen C3810283, MONDO:0014299, OMIM 615670.
LZTR1-related disorder. Also called: LZTR1-related disorders; LZTR1-related condition.
Noonan syndrome 10 (NS10). Identifiers: Orphanet 648, MedGen C4225280, MONDO:0014693, OMIM 616564.
Monogenic short statue.
Hereditary cancer-predisposing syndrome. Also called: Hereditary neoplastic syndrome; Neoplastic Syndromes, Hereditary; Hereditary Cancer Syndrome; Tumor predisposition. Identifiers: Orphanet 140162, MedGen C0027672, MeSH D009386, MONDO:0015356.
Cardiovascular phenotype. Identifiers: MedGen CN230736.
Schwannomatosis. Identifiers: Orphanet 93921, MedGen C1335929, MeSH C536641, MONDO:0008075.

Allele frequency attached by ClinVar (database versions not stated): gnomAD 0.00005 and 0.00007; gnomAD exomes 0.00007; TOPMed 0.00008; 1000 Genomes Project 0.00020; 1000 Genomes Project 30x 0.00031.
gnomAD v4.1: 106 of 1,613,572 alleles (0.0066%); highest among the groups gnomAD compares: East Asian, 0.013%; no homozygotes.

Submissions 1 to 13 of 20:

Medgenome Labs Ltd
Classification: Uncertain significance for Noonan syndrome 10. Last evaluated: 2026-07-07. Review status: criteria provided, single submitter. Criteria: ACMG Guidelines, 2015. Collection method: clinical testing. Allele origin: germline. Affected: yes.

CeGaT Center for Human Genetics Tuebingen
Classification: Pathogenic. Last evaluated: 2026-06-01. Review status: criteria provided, single submitter. Criteria: CeGaT Center For Human Genetics Tuebingen Variant Classification Criteria Version 2. Collection method: clinical testing. Allele origin: germline. Affected: yes. Observed: 9 variant alleles.
Comment: LZTR1: PVS1, PM6, PS4:Moderate, PM2:Supporting

PreventionGenetics, part of Exact Sciences
Classification: Pathogenic for LZTR1-related condition. Last evaluated: 2026-02-14. Review status: criteria provided, single submitter. Criteria: ACMG Guidelines, 2015. Collection method: clinical testing. Allele origin: germline.
Comment: The LZTR1 c.1018C>T variant is predicted to result in premature protein termination (p.Arg340*). This variant has been reported in the heterozygous state in individuals with schwannomatosis (Paganini et al. 2015. PubMed ID: 25335493; Ibe et al. 2024. PubMed ID: 38983105; Kehrer-Sawatzki et al. 2018. PubMed ID: 30006736). This variant is reported in 0.020% of alleles in individuals of East Asian descent in gnomAD and is interpreted as pathogenic in ClinVar (Variation ID: 488877). Loss-of-function variants in LZTR1 are expected to be pathogenic for autosomal dominant schwannomas and autosomal recessive Noonan syndrome; however, their impact on autosomal dominant Noonan syndrome has not been established (Piotrowski et al. 2013. PubMed ID: 24362817; Yamamoto et al. 2015. PubMed ID: 25795793; Johnston et al. 2018. PubMed ID: 29469822). This variant is interpreted as pathogenic for autosomal recessive Noonan syndrome and autosomal dominant susceptibility to schwannomatosis. However, this variant is interpreted as uncertain for autosomal dominant Noonan syndrome.

Labcorp Genetics (formerly Invitae), Labcorp
Classification: Pathogenic. Last evaluated: 2026-02-01. Review status: criteria provided, single submitter. Criteria: Invitae Variant Classification Sherloc (09022015). Collection method: clinical testing. Allele origin: germline.
Comment: This sequence change creates a premature translational stop signal (p.Arg340*) in the LZTR1 gene. It is expected to result in an absent or disrupted protein product. Loss-of-function variants in LZTR1 are known to be pathogenic (PMID: 24362817, 25335493, 25480913, 25795793, 29469822, 30368668, 30442762, 30442766, 30481304, 30859559). This variant is present in population databases (rs149850248, gnomAD 0.02%). This premature translational stop signal has been observed in individual(s) with schwannomatosis (PMID: 25335493). ClinVar contains an entry for this variant (Variation ID: 488877). For these reasons, this variant has been classified as Pathogenic.

NHS Central & South Genomic Laboratory Hub
Classification: Likely pathogenic for Monogenic short statue. Last evaluated: 2025-10-21. Review status: criteria provided, single submitter. Criteria: ACMG Guidelines, 2015. Collection method: clinical testing. Allele origin: germline. Affected: yes.

GeneDx
Classification: Pathogenic. Last evaluated: 2025-05-29. Review status: criteria provided, single submitter. Criteria: GeneDx Variant Classification Process June 2021. Collection method: clinical testing. Allele origin: germline. Affected: yes.
Comment: Nonsense variant predicted to result in protein truncation or nonsense mediated decay in a gene for which loss-of-function is a known mechanism of disease; Observed in patients with schwannomatosis at GeneDx and in published literature, including at least once as an apparently de novo variant (PMID: 25335493, 30006736); This variant is associated with the following publications: (PMID: 25335493, 30006736, 33413596, 35150601, 38983105, 39258154)

Laboratory of Genetics, Children's Clinical University Hospital Latvia
Classification: Pathogenic. Last evaluated: 2025-02-16. Review status: criteria provided, single submitter. Criteria: ACMG Guidelines, 2015. Collection method: clinical testing. Allele origin: germline. Affected: yes.

Women's Health and Genetics/Laboratory Corporation of America, LabCorp
Classification: Pathogenic for Schwannomatosis. Last evaluated: 2024-08-26. Review status: criteria provided, single submitter. Criteria: LabCorp Variant Classification Summary - May 2015. Collection method: clinical testing. Allele origin: germline.
Comment: Variant summary: LZTR1 c.1018C>T (p.Arg340X) results in a premature termination codon, predicted to cause a truncation of the encoded protein or absence of the protein due to nonsense mediated decay, which are commonly known mechanisms for disease. The variant allele was found at a frequency of 6.8e-05 in 250398 control chromosomes. This frequency is not significantly higher than estimated for a pathogenic variant in LZTR1 causing Schwannomatosis, allowing no conclusion about variant significance. c.1018C>T has been reported in the literature in individuals affected with Schwannomatosis (e.g. Paganini_2015, Kehrer-Sawatzki_2017). These data indicate that the variant may be associated with disease. To our knowledge, no experimental evidence demonstrating an impact on protein function has been reported. The following publications have been ascertained in the context of this evaluation (PMID: 24362817, 25795793, 27921248, 25335493, 30368668, 33413596, 30665374). ClinVar contains an entry for this variant (Variation ID: 488877). Germline loss of function mutations in LZTR1 have been reported to predispose to an inherited disorder of multiple schwannomas (Piotrowski_2014) and recessive Noonan syndrome (Johnston_2018). Based on the evidence outlined above, the variant was classified as pathogenic for the risk of multiple schwannomas and recessive Noonan syndrome.

Blueprint Genetics
Classification: Likely pathogenic for LZTR1-related disorders. Last evaluated: 2023-12-29. Review status: criteria provided, single submitter. Criteria: ACMG Guidelines, 2015. Collection method: clinical testing. Allele origin: germline. Affected: yes. Observed: 5 variant alleles.

Mayo Clinic Laboratories, Mayo Clinic
Classification: Pathogenic. Last evaluated: 2023-11-17. Review status: criteria provided, single submitter. Criteria: ACMG Guidelines, 2015. Collection method: clinical testing. Allele origin: germline. Observed: 4 variant alleles.
Comment: PM6_supporting, PS4_moderate, PVS1

Baylor Genetics
Classification: Pathogenic for LZTR1-related schwannomatosis. Last evaluated: 2023-10-26. Review status: criteria provided, single submitter. Criteria: ACMG Guidelines, 2015. Collection method: clinical testing. Allele origin: unknown.

ARUP Laboratories, Molecular Genetics and Genomics, ARUP Laboratories
Classification: Pathogenic. Last evaluated: 2023-08-10. Review status: criteria provided, single submitter. Criteria: ARUP Molecular Germline Variant Investigation Process 2024. Collection method: clinical testing. Allele origin: germline.
Comment: The LZTR1 c.1018C>T; p.Arg340Ter variant (rs149850248) is reported de novo in the literature in an individual affected with schwannomatosis (Paganini 2015). This variant is also reported in ClinVar (Variation ID: 488877). This variant is found in the general population with an allele frequency of 0.006% (18/281,776 alleles) in the Genome Aggregation Database. This variant induces an early termination codon and is predicted to result in a truncated protein or mRNA subject to nonsense-mediated decay. Based on available information, this variant is considered to be pathogenic. References: Paganini I et al. Expanding the mutational spectrum of LZTR1 in schwannomatosis. Eur J Hum Genet. 2015 Jul;23(7):963-8. PMID: 25335493.

Institute of Human Genetics, University of Leipzig Medical Center
Classification: Pathogenic for LZTR1-related schwannomatosis. Last evaluated: 2023-04-20. Review status: criteria provided, single submitter. Criteria: ACMG Guidelines, 2015. Collection method: clinical testing. Allele origin: unknown. Affected: yes.
Comment: _x000D_ Criteria applied: PVS1, PS4, PM2_SUP